The following is an entry in ClinVar:

ClinVar aggregate classification (germline): Uncertain significance (1 of 4 stars; one submission).

Submission:

CeGaT Center for Human Genetics Tuebingen
Classification: Uncertain significance. Last evaluated: 2023-01-01. Review status: criteria provided, single submitter. Criteria: CeGaT Center For Human Genetics Tuebingen Variant Classification Criteria Version 2. Collection method: clinical testing. Allele origin: germline. Affected: yes. Observed: 1 variant allele.
Comment: YARS1: PM2

NM_003680.4(YARS1):c.1157G>T (p.Ser386Ile)

Gene: YARS1 (tyrosyl-tRNA synthetase 1; minus strand). Cytogenetic location: 1p35.1.
Variant type: single nucleotide variant.
Coding change: c.1157G>T on transcript NM_003680.4 (MANE Select); coding-DNA position 1157, G replaced by T.
Protein change: p.Ser386Ile; replaces serine 386 with isoleucine.
Molecular consequence: missense variant.
Genome position (GRCh38, 1-based): chr1:32,780,262, C>A on the plus strand (G>T on the coding strand, the complement: YARS1 is on the minus strand). VCF-style: chr1-32780262-C-A. GRCh37 (hg19) VCF-style: chr1-33245863-C-A.
Other names: short protein forms S386I.
Identifiers: ClinVar variation 2638613 (VCV002638613.24), dbSNP rs2523351862, ClinGen allele CA339681877.